The following is an entry in ClinVar:

ClinVar aggregate classification (germline): Pathogenic (1 of 4 stars; one submission).

Submission:

Labcorp Genetics (formerly Invitae), Labcorp
Classification: Pathogenic. Last evaluated: 2023-05-08. Review status: criteria provided, single submitter. Criteria: Invitae Variant Classification Sherloc (09022015). Collection method: clinical testing. Allele origin: germline.
Comment: The frequency data for this variant in the population databases is considered unreliable, as metrics indicate poor data quality at this position in the gnomAD database. This sequence change creates a premature translational stop signal (p.Ala199Glyfs*30) in the LEMD3 gene. It is expected to result in an absent or disrupted protein product. Loss-of-function variants in LEMD3 are known to be pathogenic (PMID: 15489854, 19438932). This variant has not been reported in the literature in individuals affected with LEMD3-related conditions. For these reasons, this variant has been classified as Pathogenic.

Literature cited by the submitters: PubMed 15489854; PubMed 19438932.

NM_014319.5(LEMD3):c.595dup (p.Ala199fs)

Gene: LEMD3 (LEM domain containing 3; plus strand). Cytogenetic location: 12q14.3.
Variant type: Duplication.
Coding change: c.595dup on transcript NM_014319.5 (MANE Select); coding-DNA position 595, one base duplicated (G; older notation c.595dupG).
Protein change: p.Ala199fs; shifts the reading frame from alanine 199.
Molecular consequence: frameshift variant.
Genome position (GRCh38, 1-based): chr12:65,170,191, G duplicated; the last of 6 consecutive G bases (chr12:65,170,186-65,170,191); duplicating any one gives the same sequence. VCF-style (leftmost placement, unchanged base first): chr12-65170185-T-TG. GRCh37 (hg19) VCF-style: chr12-65563965-T-TG.
Other names: c.595dup, p.Ala199fs (NM_001167614.2); short protein forms A199fs.
Identifiers: ClinVar variation 2860372 (VCV002860372.3), dbSNP rs1417518142, ClinGen allele CA605709975.
Genomic context (GRCh38, chr12:65,170,185, plus strand): 5'-CTGGCCGCCAGCGAGGTGACTAACAGCAACTCTGCAGAGCGAAGGAAGCCCCACTCGTGG[T>TG]GGGGGGCCAGGAGGCCGGCGGGCCCCGAGCTGCAGACCCCGCCGGGGAAAGATGGAGCAG-3'